The following is an entry in ClinVar:

ClinVar aggregate classification (germline): Pathogenic. Review status: criteria provided, multiple submitters, no conflicts (2 of 4 stars). 6 submissions from 6 submitters: Pathogenic (6). Last evaluated 2024-10-04.

Conditions:
Noonan syndrome 8 (NS8). Identifiers: Orphanet 648, MedGen C3809233, MONDO:0014143, OMIM 615355.
Noonan syndrome 1 (NS1). Also called: TURNER PHENOTYPE WITH NORMAL KARYOTYPE; FEMALE PSEUDO-TURNER SYNDROME; PTPN11-Related Noonan Syndrome. Identifiers: Orphanet 648, MedGen C4551602, MONDO:0008104, OMIM 163950. Disease mechanism: gain of function.

Submissions (6):

Dasa
Classification: Pathogenic. Last evaluated: 2024-10-04. Review status: criteria provided, single submitter. Criteria: DASA Assertion Criteria. Collection method: clinical testing. Allele origin: germline.
Comment: NM_006912.6(RIT1):c.69A>C (p.Lys23Asn) is a missense variant that results in the substitution of lysine with asparagine. De novo occurrence has been reported in an individual with related phenotype. This variant has been recurrently observed in individuals with related phenotype (PMID: 26518681; PMID: 27101134). Multiple computational predictions support a deleterious effect on the gene or gene product. The variant is present at low frequency in population datasets. Based on the available data, this variant is classified as pathogenic.

Genome-Nilou Lab
Classification: Pathogenic for Noonan syndrome 8. Last evaluated: 2023-04-11. Review status: criteria provided, single submitter. Criteria: ACMG Guidelines, 2015. Collection method: clinical testing. Allele origin: germline. Affected: no.

Labcorp Genetics (formerly Invitae), Labcorp
Classification: Pathogenic for Noonan syndrome 8. Last evaluated: 2021-11-30. Review status: criteria provided, single submitter. Criteria: Invitae Variant Classification Sherloc (09022015). Collection method: clinical testing. Allele origin: germline.
Comment: Advanced modeling of protein sequence and biophysical properties (such as structural, functional, and spatial information, amino acid conservation, physicochemical variation, residue mobility, and thermodynamic stability) performed at Invitae indicates that this missense variant is expected to disrupt RIT1 protein function. For these reasons, this variant has been classified as Pathogenic. Experimental studies have shown that this missense change affects RIT1 function (PMID: 29734338). ClinVar contains an entry for this variant (Variation ID: 581105). This missense change has been observed in individual(s) with Noonan syndrome (PMID: 26518681, 27101134; Invitae). In at least one individual the variant was observed to be de novo. This variant is not present in population databases (gnomAD no frequency). This sequence change replaces lysine, which is basic and polar, with asparagine, which is neutral and polar, at codon 23 of the RIT1 protein (p.Lys23Asn).

CeGaT Center for Human Genetics Tuebingen
Classification: Pathogenic. Last evaluated: 2020-01-01. Review status: criteria provided, single submitter. Criteria: CeGaT Center For Human Genetics Tuebingen Variant Classification Criteria Version 2. Collection method: clinical testing. Allele origin: germline. Affected: yes. Observed: 2 variant alleles.

Victorian Clinical Genetics Services, Murdoch Childrens Research Institute
Classification: Pathogenic for Noonan syndrome 8. Last evaluated: 2018-10-08. Review status: criteria provided, single submitter. Criteria: ACMG Guidelines, 2015. Collection method: clinical testing. Allele origin: de novo. Affected: yes. Observed: 1 variant allele.
Comment: A heterozygous missense variant, NM_006912.5(RIT1):c.69A>C, has been identified in exon 2 of 6 of the RIT1 gene. The variant is predicted to result in a moderate amino acid change from lysine to asparagine at position 23 of the protein (NP_008843.1(RIT1):p.(Lys23Asn)). The lysine residue at this position has very high conservation (100 vertebrates, UCSC), and is located within the Ras functional domain. In silico predictions for this variant are consistently pathogenic (Polyphen, SIFT, CADD, Mutation Taster). The variant is absent in population databases (gnomAD, dbSNP, 1000G), but has previously been reported as de novo in two individuals with Noonan syndrome (Nemcikova M. et al. (2016) & Kouz K. et al. (2016)). Additionally, functional studies show that this variant induces elevated ERK1/2 phosphorylation (Buschenfelde M. et al. 2018). A different variant in the same codon resulting in a change to glutamine has been reported with conflicting pathogenicity (ClinVar). Analysis of parental samples indicated this variant is de novo. Based on the information available at the time of curation, this variant has been classified as PATHOGENIC.

Institute for Genomic Statistics and Bioinformatics, University Hospital Bonn
Classification: Pathogenic for Noonan syndrome 1. Review status: criteria provided, single submitter. Criteria: ACMG Guidelines, 2015. Collection method: clinical testing. Allele origin: unknown. Affected: yes. Observed: 1 variant allele.

Literature cited by the submitters: PubMed 26518681 (cited by Dasa and Labcorp Genetics (formerly Invitae), Labcorp); PubMed 27101134 (cited by Dasa and Labcorp Genetics (formerly Invitae), Labcorp); PubMed 29734338 (cited by Labcorp Genetics (formerly Invitae), Labcorp).

NM_006912.6(RIT1):c.69A>C (p.Lys23Asn)

Gene: RIT1 (Ras like without CAAX 1; minus strand). Cytogenetic location: 1q22.
Variant type: single nucleotide variant.
Coding change: c.69A>C on transcript NM_006912.6 (MANE Select); coding-DNA position 69, A replaced by C.
Protein change: p.Lys23Asn; replaces lysine 23 with asparagine.
Molecular consequence: missense variant. On other transcripts: intron variant (1).
Genome position (GRCh38, 1-based): chr1:155,910,693, T>G on the plus strand (A>C on the coding strand, the complement: RIT1 is on the minus strand). VCF-style: chr1-155910693-T-G. GRCh37 (hg19) VCF-style: chr1-155880484-T-G.
Other names: c.120A>C, p.Lys40Asn (NM_001256821.2); c.-2-187A>C (NM_001256820.2); c.69A>C, p.Lys23Asn (LRG_1372t1); short protein forms K23N, K40N.
Identifiers: ClinVar variation 581105 (VCV000581105.53), dbSNP rs1557962794, ClinGen allele CA342776306.